The following is an entry in ClinVar:

ClinVar aggregate classification (germline): Uncertain significance (1 of 4 stars; one submission).

Allele frequency attached by ClinVar (database versions not stated): ExAC 0.00001; gnomAD 0.00001.

Submission:

Women's Health and Genetics/Laboratory Corporation of America, LabCorp
Classification: Uncertain significance. Last evaluated: 2023-07-26. Review status: criteria provided, single submitter. Criteria: LabCorp Variant Classification Summary - May 2015. Collection method: clinical testing. Allele origin: germline.
Comment: Variant summary: MVK c.605G>A (p.Gly202Glu) results in a non-conservative amino acid change located in the GHMP kinase N-terminal domain (IPR006204) of the encoded protein sequence. Five of five in-silico tools predict a damaging effect of the variant on protein function. The variant was absent in 251388 control chromosomes (gnomAD). The available data on variant occurrences in the general population are insufficient to allow any conclusion about variant significance. c.605G>A has been reported in the literature in the heterozygous state in an individual affected with sporadic porokeratosis (Zhang_2015, cited in Boursier_2021). This report does not provide unequivocal conclusions about association of the variant with disease. To our knowledge, no experimental evidence demonstrating an impact on protein function has been reported. The following publications have been ascertained in the context of this evaluation (PMID: 33917151, 26202976). No submitters have cited clinical-significance assessments for this variant to ClinVar after 2014. Based on the evidence outlined above, the variant was classified as uncertain significance.

Literature cited by the submitters: PubMed 33917151; PubMed 26202976.

NM_000431.4(MVK):c.605G>A (p.Gly202Glu)

Gene: MVK (mevalonate kinase; plus strand). Cytogenetic location: 12q24.11.
Variant type: single nucleotide variant.
Coding change: c.605G>A on transcript NM_000431.4 (MANE Select); coding-DNA position 605, G replaced by A.
Protein change: p.Gly202Glu; replaces glycine 202 with glutamic acid.
Molecular consequence: missense variant. On other transcripts: non-coding transcript variant (4).
Genome position (GRCh38, 1-based): chr12:109,586,099, G>A. VCF-style: chr12-109586099-G-A. GRCh37 (hg19) VCF-style: chr12-110023904-G-A.
Other names: c.605G>A, p.Gly202Glu (NM_001114185.3, NM_001414511.1, NM_001414512.1 and 1 more transcripts); c.449G>A, p.Gly150Glu (NM_001301182.2, NM_001414514.1); c.23G>A, p.Gly8Glu (NM_001414515.1); short protein forms G150E, G202E, G8E.
Identifiers: ClinVar variation 2577285 (VCV002577285.1), dbSNP rs765243300, ClinGen allele CA6779307.